The following is an entry in ClinVar:

ClinVar aggregate classification (germline): Uncertain significance (1 of 4 stars; one submission).

Allele frequency attached by ClinVar (database versions not stated): gnomAD 0.00001; TOPMed 0.00002.
gnomAD v4.1: 2 of 1,613,978 alleles (0.00012%); highest among the groups gnomAD compares: African/African-American, 0.0027%; no homozygotes.

Submission:

Labcorp Genetics (formerly Invitae), Labcorp
Classification: Uncertain significance. Last evaluated: 2023-08-30. Review status: criteria provided, single submitter. Criteria: Invitae Variant Classification Sherloc (09022015). Collection method: clinical testing. Allele origin: germline.
Comment: This sequence change replaces glycine, which is neutral and non-polar, with aspartic acid, which is acidic and polar, at codon 3186 of the KMT2A protein (p.Gly3186Asp). This variant is not present in population databases (gnomAD no frequency). This variant has not been reported in the literature in individuals affected with KMT2A-related conditions. Advanced modeling of protein sequence and biophysical properties (such as structural, functional, and spatial information, amino acid conservation, physicochemical variation, residue mobility, and thermodynamic stability) has been performed at Invitae for this missense variant, however the output from this modeling did not meet the statistical confidence thresholds required to predict the impact of this variant on KMT2A protein function. In summary, the available evidence is currently insufficient to determine the role of this variant in disease. Therefore, it has been classified as a Variant of Uncertain Significance.

NM_001197104.2(KMT2A):c.9557G>A (p.Gly3186Asp)

Gene: KMT2A (lysine methyltransferase 2A; plus strand). Cytogenetic location: 11q23.3.
Variant type: single nucleotide variant.
Coding change: c.9557G>A on transcript NM_001197104.2 (MANE Select); coding-DNA position 9557, G replaced by A.
Protein change: p.Gly3186Asp; replaces glycine 3186 with aspartic acid.
Molecular consequence: missense variant.
Genome position (GRCh38, 1-based): chr11:118,505,449, G>A. VCF-style: chr11-118505449-G-A. GRCh37 (hg19) VCF-style: chr11-118376164-G-A.
Other names: c.9647G>A, p.Gly3216Asp (NM_001412597.1); c.9548G>A, p.Gly3183Asp (NM_005933.4); short protein forms G3183D, G3216D, G3186D.
Identifiers: ClinVar variation 2741330 (VCV002741330.3), dbSNP rs961670105, ClinGen allele CA382820937.
Genomic context (GRCh38, chr11:118,505,449, plus strand): 5'-ATTCCTTCCCTGCAGCTACTCAAAGTAGTTTCCCACCAAACATCAGCAATCCTCCTTCAG[G>A]CCTGCTTATTGGGGTTCAGCCTCCTCCGGATCCCCAACTTTTGGTTTCAGAATCCAGCCA-3'
Protein context (NP_001184033.1, residues 3176-3196): FPPNISNPPS[Gly3186Asp]LLIGVQPPPD